The following is an entry in ClinVar:

NM_006846.4(SPINK5):c.3016T>C (p.Cys1006Arg)

Gene: SPINK5 (serine peptidase inhibitor Kazal type 5; plus strand). Cytogenetic location: 5q32.
Variant type: single nucleotide variant.
Coding change: c.3016T>C on transcript NM_006846.4 (MANE Select); coding-DNA position 3016, T replaced by C.
Protein change: p.Cys1006Arg; replaces cysteine 1006 with arginine.
Molecular consequence: missense variant.
Genome position (GRCh38, 1-based): chr5:148,131,310, T>C. VCF-style: chr5-148131310-T-C. GRCh37 (hg19) VCF-style: chr5-147510873-T-C.
Other names: c.3106T>C, p.Cys1036Arg (NM_001127698.2); short protein forms C1006R, C1036R.
Identifiers: ClinVar variation 1430897 (VCV001430897.8), dbSNP rs866882229, ClinGen allele CA128947201.

ClinVar aggregate classification (germline): Uncertain significance (1 of 4 stars; one submission).

Conditions:
Ichthyosis linearis circumflexa. Identifiers: MedGen C0265962, MONDO:0043106, HP:0025810.

Allele frequency attached by ClinVar (database versions not stated): gnomAD exomes below 0.00001; TOPMed 0.00001.
gnomAD v4.1: 2 of 1,613,982 alleles (0.00012%); highest among the groups gnomAD compares: African/African-American, 0.0013%; no homozygotes.

Submission:

Labcorp Genetics (formerly Invitae), Labcorp
Classification: Uncertain significance for Ichthyosis linearis circumflexa. Last evaluated: 2021-05-31. Review status: criteria provided, single submitter. Criteria: Invitae Variant Classification Sherloc (09022015). Collection method: clinical testing. Allele origin: germline.
Comment: In summary, the available evidence is currently insufficient to determine the role of this variant in disease. Therefore, it has been classified as a Variant of Uncertain Significance. Algorithms developed to predict the effect of missense changes on protein structure and function are either unavailable or do not agree on the potential impact of this missense change (SIFT: "Deleterious"; PolyPhen-2: "Probably Damaging"; Align-GVGD: "Class C0"). This variant has not been reported in the literature in individuals with SPINK5-related conditions. This variant is not present in population databases (ExAC no frequency). This sequence change replaces cysteine with arginine at codon 1006 of the SPINK5 protein (p.Cys1006Arg). The cysteine residue is highly conserved and there is a large physicochemical difference between cysteine and arginine.